The following is an entry in ClinVar:

NM_000132.4(F8):c.5042T>C (p.Ile1681Thr)

Gene: F8 (coagulation factor VIII; minus strand). Cytogenetic location: Xq28.
Variant type: single nucleotide variant.
Coding change: c.5042T>C on transcript NM_000132.4 (MANE Select); coding-DNA position 5042, T replaced by C.
Protein change: p.Ile1681Thr; replaces isoleucine 1681 with threonine.
Molecular consequence: missense variant.
Genome position (GRCh38, 1-based): chrX:154,928,748, A>G on the plus strand (T>C on the coding strand, the complement: F8 is on the minus strand). VCF-style: chrX-154928748-A-G. GRCh37 (hg19) VCF-style: chrX-154157023-A-G.
Other names: short protein forms I1681T.
Identifiers: ClinVar variation 1878789 (VCV001878789.1), dbSNP rs2523909491, ClinGen allele CA414914199.

ClinVar aggregate classification (germline): Uncertain significance (1 of 4 stars; one submission).

Submission:

GeneDx
Classification: Uncertain significance. Last evaluated: 2022-07-12. Review status: criteria provided, single submitter. Criteria: GeneDx Variant Classification Process June 2021. Collection method: clinical testing. Allele origin: germline. Affected: yes.
Comment: Not observed at significant frequency in large population cohorts (gnomAD); In silico analysis supports that this missense variant does not alter protein structure/function; In-silico analysis is inconclusive as to whether the variant alters gene splicing. In the absence of RNA/functional studies, the actual effect of this sequence change is unknown.; Has not been previously published as pathogenic or benign to our knowledge